The following is an entry in ClinVar:

NM_006231.4(POLE):c.5914G>C (p.Val1972Leu)

Gene: POLE (DNA polymerase epsilon, catalytic subunit; minus strand). Cytogenetic location: 12q24.33.
Variant type: single nucleotide variant.
Coding change: c.5914G>C on transcript NM_006231.4 (MANE Select); coding-DNA position 5914, G replaced by C.
Protein change: p.Val1972Leu; replaces valine 1972 with leucine.
Molecular consequence: missense variant.
Genome position (GRCh38, 1-based): chr12:132,634,276, C>G on the plus strand (G>C on the coding strand, the complement: POLE is on the minus strand). VCF-style: chr12-132634276-C-G. GRCh37 (hg19) VCF-style: chr12-133210862-C-G.
Other names: short protein forms V1972L.
Identifiers: ClinVar variation 937359 (VCV000937359.11), dbSNP rs774726229, ClinGen allele CA387371606.

ClinVar aggregate classification (germline): Uncertain significance. Review status: criteria provided, multiple submitters, no conflicts (2 of 4 stars). 3 submissions from 3 submitters: Uncertain significance (3). Last evaluated 2026-07-28.

Conditions:
Hereditary cancer-predisposing syndrome. Also called: Neoplastic Syndromes, Hereditary; Hereditary Cancer Syndrome; Tumor predisposition; Hereditary neoplastic syndrome. Identifiers: Orphanet 140162, MedGen C0027672, MeSH D009386, MONDO:0015356.
Facial dysmorphism-immunodeficiency-livedo-short stature syndrome. Also called: Facial dysmorphism, immunodeficiency, livedo, and short stature; FILS syndrome. Identifiers: Orphanet 352712, MedGen C3554576, MONDO:0014058, OMIM 615139.

gnomAD v4.1: 1 of 1,614,236 alleles (0.000062%); highest among the groups gnomAD compares: East Asian, 0.0022%; no homozygotes.

Submissions (3):

Ambry Genetics
Classification: Uncertain significance for Hereditary cancer-predisposing syndrome. Last evaluated: 2026-07-28. Review status: criteria provided, single submitter. Criteria: Ambry Variant Classification Scheme 2023. Collection method: clinical testing. Allele origin: germline.
Comment: The p.V1972L variant (also known as c.5914G>C), located in coding exon 43 of the POLE gene, results from a G to C substitution at nucleotide position 5914. The valine at codon 1972 is replaced by leucine, an amino acid with highly similar properties. This amino acid position is conserved. In addition, this alteration is predicted to be tolerated by in silico analysis. Based on the available evidence, the clinical significance of this variant remains unclear.

Labcorp Genetics (formerly Invitae), Labcorp
Classification: Uncertain significance. Last evaluated: 2024-01-15. Review status: criteria provided, single submitter. Criteria: Invitae Variant Classification Sherloc (09022015). Collection method: clinical testing. Allele origin: germline.
Comment: This sequence change replaces valine, which is neutral and non-polar, with leucine, which is neutral and non-polar, at codon 1972 of the POLE protein (p.Val1972Leu). This variant is present in population databases (no rsID available, gnomAD 0.006%). This variant has not been reported in the literature in individuals affected with POLE-related conditions. ClinVar contains an entry for this variant (Variation ID: 937359). Advanced modeling of protein sequence and biophysical properties (such as structural, functional, and spatial information, amino acid conservation, physicochemical variation, residue mobility, and thermodynamic stability) performed at Invitae indicates that this missense variant is not expected to disrupt POLE protein function with a negative predictive value of 80%. In summary, the available evidence is currently insufficient to determine the role of this variant in disease. Therefore, it has been classified as a Variant of Uncertain Significance.

Baylor Genetics
Classification: Uncertain significance for Facial dysmorphism-immunodeficiency-livedo-short stature syndrome. Last evaluated: 2018-09-28. Review status: criteria provided, single submitter. Criteria: ACMG Guidelines, 2015. Collection method: clinical testing. Allele origin: maternal. Affected: yes.
Comment: This variant was determined to be of uncertain significance according to ACMG Guidelines, 2015 [PMID:25741868].